The following is an entry in ClinVar:

ClinVar aggregate classification (germline): Likely benign. Review status: criteria provided, multiple submitters, no conflicts (2 of 4 stars). 5 submissions from 5 submitters: Likely benign (5). Last evaluated 2026-01-26.

Conditions:
MSH3-related disorder. Also called: MSH3-related condition.
Hereditary cancer-predisposing syndrome. Also called: Hereditary neoplastic syndrome; Neoplastic Syndromes, Hereditary; Hereditary Cancer Syndrome; Tumor predisposition. Identifiers: Orphanet 140162, MedGen C0027672, MeSH D009386, MONDO:0015356.

Allele frequency attached by ClinVar (database versions not stated): gnomAD below 0.00001 and 0.00003; gnomAD exomes 0.00007 and 0.00012; ExAC 0.00010.
gnomAD v4.1: 106 of 1,611,268 alleles (0.0066%); highest among the groups gnomAD compares: South Asian, 0.11%; 1 homozygote.

Submissions (5):

Labcorp Genetics (formerly Invitae), Labcorp
Classification: Likely benign. Last evaluated: 2026-01-26. Review status: criteria provided, single submitter. Criteria: Invitae Variant Classification Sherloc (09022015). Collection method: clinical testing. Allele origin: germline.

PreventionGenetics, part of Exact Sciences
Classification: Likely benign for MSH3-related condition. Last evaluated: 2025-05-12. Review status: criteria provided, single submitter. Criteria: ACMG Guidelines, 2015. Collection method: clinical testing. Allele origin: germline.
Comment: This variant is classified as likely benign based on ACMG/AMP sequence variant interpretation guidelines (Richards et al. 2015 PMID: 25741868, with internal and published modifications).

Center for Genomic Medicine, Rigshospitalet, Copenhagen University Hospital
Classification: Likely benign. Last evaluated: 2025-03-04. Review status: criteria provided, single submitter. Criteria: ACMG Guidelines, 2015. Collection method: clinical testing. Allele origin: germline.

Blueprint Genetics
Classification: Likely benign. Last evaluated: 2024-11-18. Review status: criteria provided, single submitter. Criteria: ACMG Guidelines, 2015. Collection method: clinical testing. Allele origin: germline.

Ambry Genetics
Classification: Likely benign for Hereditary cancer-predisposing syndrome. Last evaluated: 2019-04-08. Review status: criteria provided, single submitter. Criteria: Ambry Variant Classification Scheme 2023. Collection method: clinical testing. Allele origin: germline.

NM_002439.5(MSH3):c.3009C>T (p.Ser1003=)

Gene: MSH3 (mutS homolog 3; plus strand). Cytogenetic location: 5q14.1.
Variant type: single nucleotide variant.
Coding change: c.3009C>T on transcript NM_002439.5 (MANE Select); coding-DNA position 3009, C replaced by T.
Protein change: p.Ser1003=; no amino-acid change (serine 1003 retained).
Molecular consequence: synonymous variant.
Genome position (GRCh38, 1-based): chr5:80,864,821, C>T. VCF-style: chr5-80864821-C-T. GRCh37 (hg19) VCF-style: chr5-80160640-C-T.
Identifiers: ClinVar variation 760341 (VCV000760341.23), dbSNP rs747106832, ClinGen allele CA3328432.